The following is an entry in ClinVar:

ClinVar aggregate classification (germline): Uncertain significance (1 of 4 stars; one submission).

Submission:

GeneDx
Classification: Uncertain significance. Last evaluated: 2025-01-31. Review status: criteria provided, single submitter. Criteria: GeneDx Variant Classification Process June 2021. Collection method: clinical testing. Allele origin: germline. Affected: yes.
Comment: Not observed at significant frequency in large population cohorts (gnomAD); In silico analysis supports that this missense variant has a deleterious effect on protein structure/function; Has not been previously published as pathogenic or benign to our knowledge

NM_004380.3(CREBBP):c.746A>G (p.Gln249Arg)

Gene: CREBBP (CREB binding protein; minus strand). Cytogenetic location: 16p13.3.
Variant type: single nucleotide variant.
Coding change: c.746A>G on transcript NM_004380.3 (MANE Select); coding-DNA position 746, A replaced by G.
Protein change: p.Gln249Arg; replaces glutamine 249 with arginine.
Molecular consequence: missense variant.
Genome position (GRCh38, 1-based): chr16:3,850,349, T>C on the plus strand (A>G on the coding strand, the complement: CREBBP is on the minus strand). VCF-style: chr16-3850349-T-C. GRCh37 (hg19) VCF-style: chr16-3900350-T-C.
Other names: c.746A>G, p.Gln249Arg (NM_001079846.1); short protein forms Q249R.
Identifiers: ClinVar variation 1303942 (VCV001303942.3), dbSNP rs2054803860, ClinGen allele CA394559289.